The following is an entry in ClinVar:

NM_002691.4(POLD1):c.2116G>T (p.Ala706Ser)

Gene: POLD1 (DNA polymerase delta 1, catalytic subunit; plus strand). Cytogenetic location: 19q13.33.
Variant type: single nucleotide variant.
Coding change: c.2116G>T on transcript NM_002691.4 (MANE Select); coding-DNA position 2116, G replaced by T.
Protein change: p.Ala706Ser; replaces alanine 706 with serine.
Molecular consequence: missense variant. On other transcripts: non-coding transcript variant (1).
Genome position (GRCh38, 1-based): chr19:50,409,628, G>T. VCF-style: chr19-50409628-G-T. GRCh37 (hg19) VCF-style: chr19-50912885-G-T.
Other names: c.2116G>T, p.Ala706Ser (NM_001256849.1); c.2194G>T, p.Ala732Ser (NM_001308632.1); short protein forms A706S, A732S.
Identifiers: ClinVar variation 940645 (VCV000940645.9), dbSNP rs1363178844, ClinGen allele CA406982659.

ClinVar aggregate classification (germline): Uncertain significance (1 of 4 stars; one submission).

Conditions:
POLD1-related polyposis and colorectal cancer syndrome (CRCS10). Also called: Colorectal cancer 10; COLORECTAL CANCER, SUSCEPTIBILITY TO, ON CHROMOSOME 19q; Colorectal cancer, susceptibility to, 10. Identifiers: Orphanet 220460, MedGen C2675481, MONDO:0012953, OMIM 612591.

Allele frequency attached by ClinVar (database versions not stated): TOPMed 0.00001.
gnomAD v4.1: 1 of 1,607,858 alleles (0.000062%); highest among the groups gnomAD compares: Non-Finnish European, 0.000085%; no homozygotes.

Submission:

Labcorp Genetics (formerly Invitae), Labcorp
Classification: Uncertain significance for POLD1-related polyposis and colorectal cancer syndrome. Last evaluated: 2025-10-20. Review status: criteria provided, single submitter. Criteria: Invitae Variant Classification Sherloc (09022015). Collection method: clinical testing. Allele origin: germline.
Comment: This sequence change replaces alanine, which is neutral and non-polar, with serine, which is neutral and polar, at codon 706 of the POLD1 protein (p.Ala706Ser). This variant is not present in population databases (gnomAD no frequency). This variant has not been reported in the literature in individuals affected with POLD1-related conditions. ClinVar contains an entry for this variant (Variation ID: 940645). Invitae Evidence Modeling of protein sequence and biophysical properties (such as structural, functional, and spatial information, amino acid conservation, physicochemical variation, residue mobility, and thermodynamic stability) indicates that this missense variant is not expected to disrupt POLD1 protein function with a negative predictive value of 80%. In summary, the available evidence is currently insufficient to determine the role of this variant in disease. Therefore, it has been classified as a Variant of Uncertain Significance.